The following is an entry in ClinVar:

ClinVar aggregate classification (germline): Uncertain significance. Review status: criteria provided, multiple submitters, no conflicts (2 of 4 stars). 2 submissions from 2 submitters: Uncertain significance (2). Last evaluated 2021-07-30.

Conditions:
Long QT syndrome 13 (LQT13). Identifiers: Orphanet 101016, Orphanet 768, MedGen C3150733, MONDO:0013279, OMIM 613485.
Familial hyperaldosteronism type III. Also called: Familial hyperaldosteronism type 3; FH III. Identifiers: Orphanet 251274, MedGen C3838758, MONDO:0013359, OMIM 613677.

Allele frequency attached by ClinVar (database versions not stated): gnomAD exomes below 0.00001; gnomAD 0.00001.
gnomAD v4.1: 8 of 1,602,884 alleles (0.0005%); highest among the groups gnomAD compares: South Asian, 0.0011%; no homozygotes.

Submissions (2):

Department of Pathology and Laboratory Medicine, Sinai Health System
Classification: Uncertain significance for Long QT syndrome 13; Familial hyperaldosteronism type III. Last evaluated: 2021-07-30. Review status: criteria provided, single submitter. Criteria: ACMG Guidelines, 2015. Collection method: research. Allele origin: germline.

GeneDx
Classification: Uncertain significance. Last evaluated: 2019-05-23. Review status: criteria provided, single submitter. Criteria: GeneDx Variant Classification Process June 2021. Collection method: clinical testing. Allele origin: germline. Affected: yes.
Comment: Has not been previously published as pathogenic or benign to our knowledge; Not observed at a significant frequency in large population cohorts (Lek et al., 2016); In silico analysis, which includes protein predictors and evolutionary conservation, supports a deleterious effect

NM_000890.5(KCNJ5):c.704G>A (p.Arg235Gln)

Gene: KCNJ5 (potassium inwardly rectifying channel subfamily J member 5; plus strand). Cytogenetic location: 11q24.3.
Variant type: single nucleotide variant.
Coding change: c.704G>A on transcript NM_000890.5 (MANE Select); coding-DNA position 704, G replaced by A.
Protein change: p.Arg235Gln; replaces arginine 235 with glutamine.
Molecular consequence: missense variant.
Genome position (GRCh38, 1-based): chr11:128,911,977, G>A. VCF-style: chr11-128911977-G-A. GRCh37 (hg19) VCF-style: chr11-128781872-G-A.
Other names: c.704G>A, p.Arg235Gln (NM_001354169.2); short protein forms R235Q.
Identifiers: ClinVar variation 1306130 (VCV001306130.3), dbSNP rs1475852457, ClinGen allele CA383249743.